The following is an entry in ClinVar:

ClinVar aggregate classification (germline): Uncertain significance. Review status: criteria provided, multiple submitters, no conflicts (2 of 4 stars). 2 submissions from 2 submitters: Uncertain significance (2). Last evaluated 2023-05-22.

Conditions:
Inborn genetic diseases. Identifiers: MedGen C0950123, MeSH D030342.

Allele frequency attached by ClinVar (database versions not stated): gnomAD 0.00002 and 0.00004; ExAC 0.00004; TOPMed 0.00006.
gnomAD v4.1: 69 of 1,614,066 alleles (0.0043%); highest among the groups gnomAD compares: Non-Finnish European, 0.0057%; no homozygotes.

Submissions (2):

Labcorp Genetics (formerly Invitae), Labcorp
Classification: Uncertain significance. Last evaluated: 2023-05-22. Review status: criteria provided, single submitter. Criteria: Invitae Variant Classification Sherloc (09022015). Collection method: clinical testing. Allele origin: germline.
Comment: This variant has not been reported in the literature in individuals affected with HELLS-related conditions. This variant is present in population databases (rs773580902, gnomAD 0.007%). This sequence change replaces alanine, which is neutral and non-polar, with proline, which is neutral and non-polar, at codon 16 of the HELLS protein (p.Ala16Pro). In summary, the available evidence is currently insufficient to determine the role of this variant in disease. Therefore, it has been classified as a Variant of Uncertain Significance. An algorithm developed to predict the effect of missense changes on protein structure and function (PolyPhen-2) suggests that this variant¬† is likely to be tolerated. ClinVar contains an entry for this variant (Variation ID: 1373113).

Ambry Genetics
Classification: Uncertain significance for Inborn genetic diseases. Last evaluated: 2022-07-22. Review status: criteria provided, single submitter. Criteria: Ambry Variant Classification Scheme 2023. Collection method: clinical testing. Allele origin: germline.

NM_018063.5(HELLS):c.46G>C (p.Ala16Pro)

Gene: HELLS (helicase, lymphoid specific; plus strand). Cytogenetic location: 10q23.33.
Variant type: single nucleotide variant.
Coding change: c.46G>C on transcript NM_018063.5 (MANE Select); coding-DNA position 46, G replaced by C.
Protein change: p.Ala16Pro; replaces alanine 16 with proline.
Molecular consequence: missense variant. On other transcripts: 5 prime UTR variant (5).
Genome position (GRCh38, 1-based): chr10:94,546,391, G>C. VCF-style: chr10-94546391-G-C. GRCh37 (hg19) VCF-style: chr10-96306148-G-C.
Other names: c.46G>C, p.Ala16Pro (NM_001289067.2, NM_001289069.2, NM_001289070.2 and 1 more transcripts); c.-3G>C (NM_001289068.2); c.-371G>C (NM_001289071.2); c.-304G>C (NM_001289073.2); c.-957G>C (NM_001289074.2); c.-976G>C (NM_001289075.2); c.46G>C (NM_018063.3); short protein forms A16P.
Identifiers: ClinVar variation 1373113 (VCV001373113.6), dbSNP rs773580902, ClinGen allele CA5615144.